The following is an entry in ClinVar:

ClinVar aggregate classification (germline): Uncertain significance (1 of 4 stars; one submission).

Conditions:
Catecholaminergic polymorphic ventricular tachycardia (CVPT). Also called: Catecholamine-induced polymorphic ventricular tachycardia. Identifiers: Orphanet 3286, MedGen C5574922, MONDO:0017990.

Submission:

All of Us Research Program, National Institutes of Health
Classification: Uncertain significance for Catecholaminergic polymorphic ventricular tachycardia. Last evaluated: 2023-08-08. Review status: criteria provided, single submitter. Criteria: ACMG Guidelines, 2015. Collection method: clinical testing. Allele origin: germline. Inheritance: Autosomal dominant inheritance. Observed: 1 variant allele, 1 heterozygote.
Comment: This variant is located in the RYR2 protein. To our knowledge, functional studies have not been reported for this variant. This variant has not been reported in individuals affected with RYR2-related disorders in the literature. This variant has not been identified in the general population by the Genome Aggregation Database (gnomAD). The available evidence is insufficient to determine the role of this variant in disease conclusively. Therefore, this variant is classified as a Variant of Uncertain Significance.

This study involves interpretation of variants in research participants for the purpose of population health screening. Participant phenotype was not available at the time of variant classification. Additional details can be found in publication PMID: 35346344, PMCID: PMC8962531

NM_001035.3(RYR2):c.12781C>T (p.Leu4261=)

Genes: RYR2 (ryanodine receptor 2; plus strand), LOC126806068 (BRD4-independent group 4 enhancer GRCh37_chr1:237947411-237948610; plus strand). Cytogenetic location: 1q43.
Variant type: single nucleotide variant.
Coding change: c.12781C>T on transcript NM_001035.3 (MANE Select); coding-DNA position 12781, C replaced by T.
Protein change: p.Leu4261=; no amino-acid change (leucine 4261 retained).
Molecular consequence: synonymous variant.
Genome position (GRCh38, 1-based): chr1:237,784,493, C>T. VCF-style: chr1-237784493-C-T. GRCh37 (hg19) VCF-style: chr1-237947793-C-T.
Identifiers: ClinVar variation 3072584 (VCV003072584.1), dbSNP rs1174020161, ClinGen allele CA066620.